The following is an entry in ClinVar:

ClinVar aggregate classification (germline): Conflicting classifications of pathogenicity. Review status: criteria provided, conflicting classifications (1 of 4 stars). 2 submissions from 2 submitters: Pathogenic (1); Uncertain significance (1). Last evaluated 2025-09-19.

Conditions:
Glutaric aciduria, type 1. Also called: Glutaric Acidemia Type 1; Glutaryl-CoA dehydrogenase deficiency; GA I; Glutaric acidemia type I; Glutaricaciduria, type I; Glutaricacidemia Type 1. Identifiers: Orphanet 25, MedGen C0268595, MONDO:0009281, OMIM 231670.

Allele frequency attached by ClinVar (database versions not stated): gnomAD exomes below 0.00001; gnomAD 0.00001; TOPMed 0.00004.
gnomAD v4.1: 2 of 1,612,528 alleles (0.00012%); highest among the groups gnomAD compares: African/African-American, 0.0027%; no homozygotes.

Submissions (2):

Women's Health and Genetics/Laboratory Corporation of America, LabCorp
Classification: Uncertain significance. Last evaluated: 2025-09-19. Review status: criteria provided, single submitter. Criteria: LabCorp Variant Classification Summary - May 2015. Collection method: clinical testing. Allele origin: germline.
Comment: Variant summary: GCDH c.857C>T (p.Pro286Leu) results in a non-conservative amino acid change in the encoded protein sequence. Algorithms developed to predict the effect of missense changes on protein structure and function all suggest that this variant is likely to be disruptive. The variant allele was found at a frequency of 4e-06 in 250360 control chromosomes (gnomAD). The available data on variant occurrences in the general population are insufficient to allow any conclusion about variant significance. c.857C>T has been observed in individuals affected with Glutaric Acidemia Type 1 (LabcorpGenetics (formerlyInvitae)). These data do not allow any conclusion about variant significance. To our knowledge, no experimental evidence demonstrating an impact on protein function has been reported. The following publications have been ascertained in the context of this evaluation (PMID: 37020324). ClinVar contains an entry for this variant (Variation ID: 1370411). Based on the evidence outlined above, the variant was classified as uncertain significance.

Labcorp Genetics (formerly Invitae), Labcorp
Classification: Pathogenic for Glutaric aciduria, type 1. Last evaluated: 2021-07-03. Review status: criteria provided, single submitter. Criteria: Invitae Variant Classification Sherloc (09022015). Collection method: clinical testing. Allele origin: germline.
Comment: For these reasons, this variant has been classified as Pathogenic. This variant disrupts the p.Pro286 amino acid residue in GCDH. Other variant(s) that disrupt this residue have been observed in individuals with GCDH-related conditions (PMID: 28794906), which suggests that this may be a clinically significant amino acid residue. Advanced modeling of protein sequence and biophysical properties (such as structural, functional, and spatial information, amino acid conservation, physicochemical variation, residue mobility, and thermodynamic stability) performed at Invitae indicates that this missense variant is expected to disrupt GCDH protein function. This variant has been observed in individual(s) with clinical features of glutaric aciduria type I (Invitae). In at least one individual the data is consistent with the variant being in trans (on the opposite chromosome) from a pathogenic variant. This variant is not present in population databases (ExAC no frequency). This sequence change replaces proline with leucine at codon 286 of the GCDH protein (p.Pro286Leu). The proline residue is highly conserved and there is a moderate physicochemical difference between proline and leucine.

Literature cited by the submitters: PubMed 37020324 (cited by Women's Health and Genetics/Laboratory Corporation of America, LabCorp); PubMed 28794906 (cited by Labcorp Genetics (formerly Invitae), Labcorp).

NM_000159.4(GCDH):c.857C>T (p.Pro286Leu)

Gene: GCDH (glutaryl-CoA dehydrogenase; plus strand). Cytogenetic location: 19p13.13.
Variant type: single nucleotide variant.
Coding change: c.857C>T on transcript NM_000159.4 (MANE Select); coding-DNA position 857, C replaced by T.
Protein change: p.Pro286Leu; replaces proline 286 with leucine.
Molecular consequence: missense variant. On other transcripts: non-coding transcript variant (2).
Genome position (GRCh38, 1-based): chr19:12,896,914, C>T. VCF-style: chr19-12896914-C-T. GRCh37 (hg19) VCF-style: chr19-13007728-C-T.
Other names: c.857C>T, p.Pro286Leu (NM_013976.5); short protein forms P286L.
Identifiers: ClinVar variation 1370411 (VCV001370411.10), dbSNP rs1254396827, ClinGen allele CA404319279.